The following is an entry in ClinVar:

NM_006767.4(LZTR1):c.200G>C (p.Arg67Pro)

Gene: LZTR1 (leucine zipper like post translational regulator 1; plus strand). Cytogenetic location: 22q11.21.
Variant type: single nucleotide variant.
Coding change: c.200G>C on transcript NM_006767.4 (MANE Select); coding-DNA position 200, G replaced by C.
Protein change: p.Arg67Pro; replaces arginine 67 with proline.
Molecular consequence: missense variant.
Genome position (GRCh38, 1-based): chr22:20,982,571, G>C. VCF-style: chr22-20982571-G-C. GRCh37 (hg19) VCF-style: chr22-21336860-G-C.
Other names: short protein forms R67P.
Identifiers: ClinVar variation 1784387 (VCV001784387.9), dbSNP rs1338433423, ClinGen allele CA410778198.

ClinVar aggregate classification (germline): Conflicting classifications of pathogenicity. Review status: criteria provided, conflicting classifications (1 of 4 stars). 3 submissions from 3 submitters: Likely pathogenic (1); Uncertain significance (2). Last evaluated 2026-04-13.

Conditions:
Cardiovascular phenotype. Identifiers: MedGen CN230736.
Hereditary cancer-predisposing syndrome. Also called: Neoplastic Syndromes, Hereditary; Tumor predisposition; Hereditary Cancer Syndrome; Hereditary neoplastic syndrome. Identifiers: Orphanet 140162, MedGen C0027672, MeSH D009386, MONDO:0015356.

Allele frequency attached by ClinVar (database versions not stated): TOPMed below 0.00001.
gnomAD v4.1: 2 of 1,611,004 alleles (0.00012%); highest among the groups gnomAD compares: Admixed American, 0.0017%; no homozygotes.

Submissions (3):

Ambry Genetics
Classification: Likely pathogenic for Cardiovascular phenotype; Hereditary cancer-predisposing syndrome. Last evaluated: 2026-04-13. Review status: criteria provided, single submitter. Criteria: Ambry Variant Classification Scheme 2023. Collection method: clinical testing. Allele origin: germline.
Comment: The c.200G>C variant (also known as p.R67P), located in coding exon 1 of the LZTR1 gene, results from a G to C substitution at nucleotide position 200. The amino acid change results in arginine to proline at codon 67, an amino acid with dissimilar properties. However, this change occurs in the last base pair of coding exon 1, which makes it likely to have some effect on normal mRNA splicing. This nucleotide position is highly conserved in available vertebrate species. In silico splice site analysis predicts that this alteration may weaken the native splice donor site and will result in the creation or strengthening of a novel splice donor site, and RNA studies have demonstrated that this alteration results in abnormal splicing in the set of samples tested (Ambry internal data). Loss-of-function variants in LZTR1 are related to an increased risk for schwannomas and autosomal recessive Noonan syndrome; however, such associations with autosomal dominant Noonan syndrome have not been observed (Piotrowski A et al. Nat Genet. 2014 Feb;46:182-7; Yamamoto GL et al. J Med Genet. 2015 Jun;52:413-21; Johnston JJ et al. Genet Med. 2018 10;20:1175-1185). Based on the supporting evidence, this variant is likely pathogenic for an increased risk of LZTR1-related schwannomatosis (SWN) and would be expected to cause autosomal recessive Noonan syndrome when present along with a second pathogenic or likely pathogenic variant on the other allele; however, the association of this alteration with autosomal dominant Noonan syndrome is unlikely.

Labcorp Genetics (formerly Invitae), Labcorp
Classification: Uncertain significance. Last evaluated: 2024-07-06. Review status: criteria provided, single submitter. Criteria: Invitae Variant Classification Sherloc (09022015). Collection method: clinical testing. Allele origin: germline.
Comment: This sequence change replaces arginine, which is basic and polar, with proline, which is neutral and non-polar, at codon 67 of the LZTR1 protein (p.Arg67Pro). This variant also falls at the last nucleotide of exon 1, which is part of the consensus splice site for this exon. This variant is present in population databases (no rsID available, gnomAD 0.003%). This variant has not been reported in the literature in individuals affected with LZTR1-related conditions. ClinVar contains an entry for this variant (Variation ID: 1784387). An algorithm developed to predict the effect of missense changes on protein structure and function (PolyPhen-2) suggests that this variant is likely to be disruptive. Variants that disrupt the consensus splice site are a relatively common cause of aberrant splicing (PMID: 17576681, 9536098). Algorithms developed to predict the effect of sequence changes on RNA splicing suggest that this variant may disrupt the consensus splice site. In summary, the available evidence is currently insufficient to determine the role of this variant in disease. Therefore, it has been classified as a Variant of Uncertain Significance.

Women's Health and Genetics/Laboratory Corporation of America, LabCorp
Classification: Uncertain significance. Last evaluated: 2023-03-07. Review status: criteria provided, single submitter. Criteria: LabCorp Variant Classification Summary - May 2015. Collection method: clinical testing. Allele origin: germline.
Comment: Variant summary: LZTR1 c.200G>C (p.Arg67Pro) results in a non-conservative amino acid change in the encoded protein sequence. Four of five in-silico tools predict a damaging effect of the variant on protein function. Several computational tools predict a significant impact on normal splicing: Two predict the variant abolishes the canonical 5' splicing donor site. Two predict the variant weakens the canonical 5' donor site. However, these predictions have yet to be confirmed by functional studies. The variant allele was found at a frequency of 4.2e-06 in 240476 control chromosomes (gnomAD). The available data on variant occurrences in the general population are insufficient to allow any conclusion about variant significance. To our knowledge, no occurrence of c.200G>C in individuals affected with Noonan Syndrome and no experimental evidence demonstrating its impact on protein function have been reported. Two clinical diagnostic laboratories have submitted clinical-significance assessments for this variant to ClinVar after 2014 and classified the variant as VUS and likely pathogenic. Based on the evidence outlined above, the variant was classified as uncertain significance.

Literature cited by the submitters: PubMed 17576681 (cited by Labcorp Genetics (formerly Invitae), Labcorp); PubMed 9536098 (cited by Labcorp Genetics (formerly Invitae), Labcorp).